The following is an entry in ClinVar:

NM_016247.4(IMPG2):c.1565C>G (p.Ser522Ter)

Gene: IMPG2 (interphotoreceptor matrix proteoglycan 2; minus strand). Cytogenetic location: 3q12.3.
Variant type: single nucleotide variant.
Coding change: c.1565C>G on transcript NM_016247.4 (MANE Select); coding-DNA position 1565, C replaced by G.
Protein change: p.Ser522Ter; replaces serine 522 with a stop codon.
Molecular consequence: nonsense.
Genome position (GRCh38, 1-based): chr3:101,244,766, G>C on the plus strand (C>G on the coding strand, the complement: IMPG2 is on the minus strand). VCF-style: chr3-101244766-G-C. GRCh37 (hg19) VCF-style: chr3-100963610-G-C.
Other names: short protein forms S522*.
Identifiers: ClinVar variation 450088 (VCV000450088.3), dbSNP rs1409688898, ClinGen allele CA353860592.

ClinVar aggregate classification (germline): Pathogenic/Likely pathogenic. Review status: criteria provided, multiple submitters, no conflicts (2 of 4 stars). 2 submissions from 2 submitters: Pathogenic (1); Likely pathogenic (1). Last evaluated 2017-07-07.

Conditions:
Retinal dystrophy. Also called: Inherited retinal dystrophy. Identifiers: Orphanet 71862, MedGen C0854723, MeSH D058499, MONDO:0019118, HP:0000556.

Allele frequency attached by ClinVar (database versions not stated): gnomAD exomes below 0.00001.
gnomAD v4.1: 2 of 1,613,818 alleles (0.00012%); highest among the groups gnomAD compares: Non-Finnish European, 0.00017%; no homozygotes.

Submissions (2):

GeneDx
Classification: Likely pathogenic. Last evaluated: 2017-07-07. Review status: criteria provided, single submitter. Criteria: GeneDx Variant Classification (06012015). Collection method: clinical testing. Allele origin: germline. Affected: yes.
Comment: The S522X variant in the IMPG2 gene has been reported previously in the heterozygous state in an individual with vitelliform macular dystrophy, but segregation information was not provided for this individual (Brandl et al., 2017). This variant is predicted to cause loss of normal protein function either through protein truncation or nonsense-mediated mRNA decay. The S522X variant is not observed in large population cohorts (Lek et al., 2016; 1000 Genomes Consortium et al., 2015; Exome Variant Server). We interpret S522X as a likely pathogenic variant.

Institute of Human Genetics, Univ. Regensburg, Univ. Regensburg
Classification: Pathogenic for Retinal dystrophy. Last evaluated: 2015-01-01. Review status: criteria provided, single submitter. Criteria: ACMG Guidelines, 2015. Collection method: clinical testing. Allele origin: germline. Affected: yes.

Literature cited by the submitters: PubMed 28644393 (cited by Institute of Human Genetics, Univ. Regensburg, Univ. Regensburg).